The following is an entry in ClinVar:

NM_000260.4(MYO7A):c.1854G>A (p.Leu618=)

Gene: MYO7A (myosin VIIA; plus strand). Cytogenetic location: 11q13.5.
Variant type: single nucleotide variant.
Coding change: c.1854G>A on transcript NM_000260.4 (MANE Select); coding-DNA position 1854, G replaced by A.
Protein change: p.Leu618=; no amino-acid change (leucine 618 retained).
Molecular consequence: synonymous variant.
Genome position (GRCh38, 1-based): chr11:77,172,804, G>A. VCF-style: chr11-77172804-G-A. GRCh37 (hg19) VCF-style: chr11-76883850-G-A.
Other names: p.Leu618=; c.1854G>A, p.Leu618= (NM_001127180.2); c.1821G>A, p.Leu607= (NM_001369365.1).
Identifiers: ClinVar variation 43161 (VCV000043161.53), dbSNP rs35429535, ClinGen allele CA132225.

ClinVar aggregate classification (germline): Conflicting classifications of pathogenicity. Review status: criteria provided, conflicting classifications (1 of 4 stars). 12 submissions from 10 submitters: Uncertain significance (2); Benign (2); Likely benign (6). 2 of the submissions do not count toward it. Last evaluated 2026-02-02.

Conditions:
Usher syndrome type 1 (USH1). Also called: RETINITIS PIGMENTOSA AND CONGENITAL DEAFNESS. Identifiers: Orphanet 231169, Orphanet 886, MedGen C1568247, MONDO:0010168, OMIM 276900.
Autosomal recessive nonsyndromic hearing loss 2. Also called: NEUROSENSORY NONSYNDROMIC RECESSIVE DEAFNESS 2; DEAFNESS, AUTOSOMAL RECESSIVE 2. Identifiers: Orphanet 90636, MedGen C1838701, MONDO:0010807, OMIM 600060.
Autosomal dominant nonsyndromic hearing loss 11. Identifiers: Orphanet 90635, MedGen C1832475, MONDO:0011032, OMIM 601317.

Allele frequency attached by ClinVar (database versions not stated): 1000 Genomes Project 30x 0.00031; 1000 Genomes Project 0.00040; gnomAD exomes 0.00217 and 0.00402; TOPMed 0.00250; gnomAD 0.00269 and 0.00276; ExAC 0.00292; ESP Exome Variant Server 0.00310.
gnomAD v4.1: 6,011 of 1,556,814 alleles (0.39%); highest among the groups gnomAD compares: Non-Finnish European, 0.49%; 18 homozygotes.

Submissions (12):

Labcorp Genetics (formerly Invitae), Labcorp
Classification: Benign. Last evaluated: 2026-02-02. Review status: criteria provided, single submitter. Criteria: Invitae Variant Classification Sherloc (09022015). Collection method: clinical testing. Allele origin: germline.

CeGaT Center for Human Genetics Tuebingen
Classification: Likely benign. Last evaluated: 2025-12-01. Review status: criteria provided, single submitter. Criteria: CeGaT Center For Human Genetics Tuebingen Variant Classification Criteria Version 2. Collection method: clinical testing. Allele origin: germline. Affected: yes. Observed: 4 variant alleles.
Comment: MYO7A: BP4, BP7, BS2

Blueprint Genetics
Classification: Likely benign. Last evaluated: 2024-11-22. Review status: criteria provided, single submitter. Criteria: ACMG Guidelines, 2015. Collection method: clinical testing. Allele origin: germline.

Mayo Clinic Laboratories, Mayo Clinic
Classification: Likely benign. Last evaluated: 2022-08-29. Review status: criteria provided, single submitter. Criteria: ACMG Guidelines, 2015. Collection method: clinical testing. Allele origin: germline. Observed: 3 variant alleles.
Comment: BS1, BP4, BP7

GeneDx
Classification: Likely benign. Last evaluated: 2021-05-24. Review status: criteria provided, single submitter. Criteria: GeneDx Variant Classification Process June 2021. Collection method: clinical testing. Allele origin: germline. Affected: yes.

Illumina Laboratory Services, Illumina
Classification: Uncertain significance for Usher syndrome type 1. Last evaluated: 2018-01-13. Review status: criteria provided, single submitter. Criteria: ICSL Variant Classification Criteria 13 December 2019. Collection method: clinical testing. Allele origin: germline.

Illumina Laboratory Services, Illumina
Classification: Likely benign for Autosomal dominant nonsyndromic hearing loss 11. Last evaluated: 2018-01-13. Review status: criteria provided, single submitter. Criteria: ICSL Variant Classification Criteria 13 December 2019. Collection method: clinical testing. Allele origin: germline.
Comment: This variant was observed in the ICSL laboratory as part of a predisposition screen in an ostensibly healthy population. It had not been previously curated by ICSL or reported in the Human Gene Mutation Database (HGMD: prior to June 1st, 2018), and was therefore a candidate for classification through an automated scoring system. Utilizing variant allele frequency, disease prevalence and penetrance estimates, and inheritance mode, an automated score was calculated to assess if this variant is too frequent to cause the disease. Based on the score and internal cut-off values, a variant classified as likely benign is not then subjected to further curation. The score for this variant resulted in a classification of likely benign for this disease.

Illumina Laboratory Services, Illumina
Classification: Uncertain significance for Autosomal recessive nonsyndromic hearing loss 2. Last evaluated: 2018-01-13. Review status: criteria provided, single submitter. Criteria: ICSL Variant Classification Criteria 13 December 2019. Collection method: clinical testing. Allele origin: germline.

Eurofins Ntd Llc (ga)
Classification: Likely benign. Last evaluated: 2014-12-14. Review status: criteria provided, single submitter. Criteria: EGL Classification Definitions 2015. Collection method: clinical testing. Allele origin: germline. Observed: 1 variant allele, 1 heterozygote.

Laboratory for Molecular Medicine, Mass General Brigham Personalized Medicine
Classification: Benign. Last evaluated: 2011-12-21. Review status: criteria provided, single submitter. Criteria: LMM Criteria. Collection method: clinical testing. Allele origin: germline. Observed: 14 variant alleles.
Comment: Leu618Leu in exon 16 of MYO7A: This variant is not expected to have clinical sig nificance because it does not alter an amino acid residue, is not located within the splice consensus sequence and has been identified in 0.4% (28/6652) of chro mosomes from a broad, though clinically unspecified European American population and 0.1% (5/3382) of chromosomes from a broad, though clinically unspecified Af rican American population (dbSNP rs35429535).

Clinical Genetics DNA and cytogenetics Diagnostics Lab, Erasmus MC, Erasmus Medical Center
Classification: Likely benign. Review status: no assertion criteria provided. Collection method: clinical testing. Allele origin: germline. Affected: yes. Study: VKGL Data-share Consensus. Not counted in ClinVar's aggregate classification.

Clinical Genetics, Academic Medical Center
Classification: Benign. Review status: no assertion criteria provided. Collection method: clinical testing. Allele origin: germline. Affected: yes. Study: VKGL Data-share Consensus. Not counted in ClinVar's aggregate classification.